The following is an entry in ClinVar:

NM_138694.4(PKHD1):c.5687C>G (p.Thr1896Arg)

Gene: PKHD1 (PKHD1 ciliary IPT domain containing fibrocystin/polyductin; minus strand). Cytogenetic location: 6p12.2.
Variant type: single nucleotide variant.
Coding change: c.5687C>G on transcript NM_138694.4 (MANE Select); coding-DNA position 5687, C replaced by G.
Protein change: p.Thr1896Arg; replaces threonine 1896 with arginine.
Molecular consequence: missense variant.
Genome position (GRCh38, 1-based): chr6:52,010,373, G>C on the plus strand (C>G on the coding strand, the complement: PKHD1 is on the minus strand). VCF-style: chr6-52010373-G-C. GRCh37 (hg19) VCF-style: chr6-51875171-G-C.
Other names: c.5687C>G, p.Thr1896Arg (NM_170724.3); short protein forms T1896R.
Identifiers: ClinVar variation 2037330 (VCV002037330.1), dbSNP rs140996978, ClinGen allele CA364422813.

ClinVar aggregate classification (germline): Uncertain significance (1 of 4 stars; one submission).

Conditions:
Autosomal recessive polycystic kidney disease (ARPKD). Also called: AR polycystic kidney disease. Identifiers: Orphanet 731, Orphanet 8378, MedGen C0085548, MeSH D017044, MONDO:0009889.

gnomAD v4.1: 1 of 1,612,824 alleles (0.000062%); highest among the groups gnomAD compares: Non-Finnish European, 0.000085%; no homozygotes.

Submission:

Labcorp Genetics (formerly Invitae), Labcorp
Classification: Uncertain significance for Autosomal recessive polycystic kidney disease. Last evaluated: 2021-11-01. Review status: criteria provided, single submitter. Criteria: Invitae Variant Classification Sherloc (09022015). Collection method: clinical testing. Allele origin: germline.
Comment: This sequence change replaces threonine, which is neutral and polar, with arginine, which is basic and polar, at codon 1896 of the PKHD1 protein (p.Thr1896Arg). This variant is present in population databases (no rsID available, gnomAD 0.0009%). This variant has not been reported in the literature in individuals affected with PKHD1-related conditions. Advanced modeling of protein sequence and biophysical properties (such as structural, functional, and spatial information, amino acid conservation, physicochemical variation, residue mobility, and thermodynamic stability) performed at Invitae indicates that this missense variant is not expected to disrupt PKHD1 protein function. In summary, the available evidence is currently insufficient to determine the role of this variant in disease. Therefore, it has been classified as a Variant of Uncertain Significance.